The following is an entry in ClinVar:

NM_000077.5(CDKN2A):c.150+12G>A

Gene: CDKN2A (cyclin dependent kinase inhibitor 2A; minus strand). Cytogenetic location: 9p21.3.
Variant type: single nucleotide variant.
Coding change: c.150+12G>A on transcript NM_000077.5 (MANE Select); 12 bases into the intron after coding-DNA position 150, G replaced by A.
Molecular consequence: intron variant. On other transcripts: synonymous variant (1).
Genome position (GRCh38, 1-based): chr9:21,974,666, C>T on the plus strand (G>A on the coding strand, the complement: CDKN2A is on the minus strand). VCF-style: chr9-21974666-C-T. GRCh37 (hg19) VCF-style: chr9-21974665-C-T.
Other names: c.162G>A, p.Gly54= (NM_058197.5); c.-3-3458G>A (NM_001363763.2); c.194-3458G>A (NM_058195.4); c.150+12G>A (NM_001195132.2).
Identifiers: ClinVar variation 377652 (VCV000377652.19), dbSNP rs1057520264, ClinGen allele CA16605670.
Genomic context (GRCh38, chr9:21,974,666, plus strand): 5'-CAATTCCCCTGCAAACTTCGTCCTCCAGAGTCGCCCGCCATCCCCTGCTCCCGCTGCAGA[C>T]CCTCTACCCACCTGGATCGGCCTCCGACCGTAACTATTCGGTGCGTTGGGCAGCGCCCCC-3'

ClinVar aggregate classification (germline): Likely benign. Review status: criteria provided, multiple submitters, no conflicts (2 of 4 stars). 3 submissions from 3 submitters: Likely benign (3). Last evaluated 2024-12-09.

Conditions:
Familial melanoma. Also called: Hereditary melanoma; Hereditary cutaneous melanoma. Identifiers: Orphanet 618, MedGen C1512419, MONDO:0018961.
Hereditary cancer-predisposing syndrome. Also called: Neoplastic Syndromes, Hereditary; Hereditary neoplastic syndrome; Hereditary Cancer Syndrome; Tumor predisposition. Identifiers: Orphanet 140162, MedGen C0027672, MeSH D009386, MONDO:0015356.

Allele frequency attached by ClinVar (database versions not stated): gnomAD exomes below 0.00001.
gnomAD v4.1: 2 of 1,614,170 alleles (0.00012%); highest among the groups gnomAD compares: Non-Finnish European, 0.00017%; no homozygotes.

Submissions (3):

Labcorp Genetics (formerly Invitae), Labcorp
Classification: Likely benign for Familial melanoma. Last evaluated: 2024-12-09. Review status: criteria provided, single submitter. Criteria: Invitae Variant Classification Sherloc (09022015). Collection method: clinical testing. Allele origin: germline.

Color Diagnostics, LLC DBA Color Health
Classification: Likely benign for Hereditary cancer-predisposing syndrome. Last evaluated: 2019-05-16. Review status: criteria provided, single submitter. Criteria: ACMG Guidelines, 2015. Collection method: clinical testing. Allele origin: germline.

GeneDx
Classification: Likely benign. Last evaluated: 2016-08-12. Review status: criteria provided, single submitter. Criteria: GeneDx Variant Classification (06012015). Collection method: clinical testing. Allele origin: germline. Affected: yes.
Comment: This variant is considered likely benign or benign based on one or more of the following criteria: it is a conservative change, it occurs at a poorly conserved position in the protein, it is predicted to be benign by multiple in silico algorithms, and/or has population frequency not consistent with disease.